The following is an entry in ClinVar:

NM_001127453.2(GSDME):c.913C>A (p.Pro305Thr)

Gene: GSDME (gasdermin E; minus strand). Cytogenetic location: 7p15.3.
Variant type: single nucleotide variant.
Coding change: c.913C>A on transcript NM_001127453.2 (MANE Select); coding-DNA position 913, C replaced by A.
Protein change: p.Pro305Thr; replaces proline 305 with threonine.
Molecular consequence: missense variant.
Genome position (GRCh38, 1-based): chr7:24,708,204, G>T on the plus strand (C>A on the coding strand, the complement: GSDME is on the minus strand). VCF-style: chr7-24708204-G-T. GRCh37 (hg19) VCF-style: chr7-24747823-G-T.
Other names: c.421C>A, p.Pro141Thr (NM_001127454.2); c.913C>A, p.Pro305Thr (NM_004403.3); short protein forms P141T, P305T.
Identifiers: ClinVar variation 3061163 (VCV003061163.3), dbSNP rs1789197858, ClinGen allele CA367047407.

ClinVar aggregate classification (germline): Uncertain significance. Review status: criteria provided, single submitter (1 of 4 stars). 2 submissions from 2 submitters: Uncertain significance (1). 1 of the submissions does not count toward it. Last evaluated 2023-12-19.

Conditions:
GSDME-related disorder. Also called: GSDME-related condition.
Inborn genetic diseases. Identifiers: MedGen C0950123, MeSH D030342.

Allele frequency attached by ClinVar (database versions not stated): gnomAD exomes below 0.00001.

Submissions (2):

Ambry Genetics
Classification: Uncertain significance for Inborn genetic diseases. Last evaluated: 2023-12-19. Review status: criteria provided, single submitter. Criteria: Ambry Variant Classification Scheme 2023. Collection method: clinical testing. Allele origin: germline.

PreventionGenetics, part of Exact Sciences
Classification: Uncertain significance for GSDME-related condition. Last evaluated: 2024-02-29. Review status: no assertion criteria provided. Collection method: clinical testing. Allele origin: germline. Not counted in ClinVar's aggregate classification.
Comment: The GSDME c.913C>A variant is predicted to result in the amino acid substitution p.Pro305Thr. To our knowledge, this variant has not been reported in the literature or in a large population database, indicating this variant is rare. At this time, the clinical significance of this variant is uncertain due to the absence of conclusive functional and genetic evidence.